The following is an entry in ClinVar:

NM_000474.4(TWIST1):c.297del (p.Pro100fs)

Gene: TWIST1 (twist family bHLH transcription factor 1; minus strand). Cytogenetic location: 7p21.1.
Variant type: Deletion.
Coding change: c.297del on transcript NM_000474.4 (MANE Select); coding-DNA position 297, one base deleted (T; older notation c.297delT).
Protein change: p.Pro100fs; shifts the reading frame from proline 100.
Molecular consequence: frameshift variant. On other transcripts: non-coding transcript variant (1).
Genome position (GRCh38, 1-based): chr7:19,117,025, A deleted on the plus strand (T on the coding strand, the reverse complement: TWIST1 is on the minus strand). VCF-style (leftmost placement, unchanged base first): chr7-19117024-GA-G. GRCh37 (hg19) VCF-style: chr7-19156647-GA-G.
Other names: short protein forms P100fs.
Identifiers: ClinVar variation 4996656 (VCV004996656.1).
Genomic context (GRCh38, chr7:19,117,024, plus strand): 5'-GCTGGCGCTCCCGCACGTTGGCCATGACCCGCTGCGTCTGCAGCTCCTCGTAAGACTGCG[GA>G]CTCCCGCCGCCGCTGCTGCTGCCGCCGCCGCCGCCCGCGCCGCCGCCGCCGCCACAGCCC-3'

ClinVar aggregate classification (germline): Likely pathogenic (1 of 4 stars; one submission).

Conditions:
TWIST1-related disorder.

Submission:

PreventionGenetics, part of Exact Sciences
Classification: Likely pathogenic for TWIST1-related condition. Last evaluated: 2026-05-12. Review status: criteria provided, single submitter. Criteria: ACMG Guidelines, 2015. Collection method: clinical testing. Allele origin: germline.
Comment: The TWIST1 c.297delT variant is predicted to result in a frameshift and premature protein termination (p.Pro100Argfs*25). To our knowledge, this variant has not been reported in the literature or in a large population database (gnomAD), indicating this variant is rare. Frameshift variants in TWIST1 are expected to be pathogenic. This variant is interpreted as likely pathogenic.